The following is an entry in ClinVar:

ClinVar aggregate classification (germline): Conflicting classifications of pathogenicity. Review status: criteria provided, conflicting classifications (1 of 4 stars). 3 submissions from 3 submitters: Likely pathogenic (1); Uncertain significance (2). Last evaluated 2025-03-07.

Conditions:
Bethlem myopathy 1A. Also called: MYOPATHY, BENIGN CONGENITAL, WITH CONTRACTURES; Bethlem myopathy 1; Bethlem Muscular Dystrophy. Identifiers: Orphanet 610, MedGen CN029274, MONDO:0024530, OMIM 158810.

Allele frequency attached by ClinVar (database versions not stated): TOPMed below 0.00001; gnomAD exomes 0.00001; ExAC 0.00002; 1000 Genomes Project 0.00020.
gnomAD v4.1: 9 of 1,614,052 alleles (0.00056%); highest among the groups gnomAD compares: Admixed American, 0.0067%; no homozygotes.

Submissions (3):

Variantyx, Inc.
Classification: Likely pathogenic for Bethlem myopathy 1A. Last evaluated: 2025-03-07. Review status: criteria provided, single submitter. Criteria: Variantyx Assertion Criteria 2022. Collection method: clinical testing. Allele origin: germline. Inheritance: Autosomal dominant inheritance. Affected: yes.
Comment: This is a nonsynonymous variant in the COL6A3 gene (OMIM: 120250). Pathogenic variants in this gene have been associated with autosomal dominant COL6A3-related disorders. This variant lies within a known hotspot for pathogenic variants or a well-established critical functional domain of the COL6A3 protein (PMID: 7695699, 8218237, 19344236) (PM1_Strong). Multiple computational algorithms predict a deleterious effect for this variant (REVEL score: 0.956) (PP3), and it has a 0.0089% maximum allele frequency in non-founder control populations. Based on the current evidence, this variant is classified as likely pathogenic for autosomal dominant Bethlem myopathy 1C. Pathogenic variants associated with autosomal dominant inheritance in¬†COL6A3xtypically occur near the N terminal of the triple helical (TH) domain, which contains a critical region of 10 to 15 Gly-X-Y triplets; in-frame exon-skipping variants and glycine substitutions in this region tend to result in more severe phenotypes (PMID: 24038877, 17886299).

Labcorp Genetics (formerly Invitae), Labcorp
Classification: Uncertain significance for Bethlem myopathy 1A. Last evaluated: 2024-08-28. Review status: criteria provided, single submitter. Criteria: Invitae Variant Classification Sherloc (09022015). Collection method: clinical testing. Allele origin: germline.
Comment: This sequence change replaces glycine, which is neutral and non-polar, with arginine, which is basic and polar, at codon 2143 of the COL6A3 protein (p.Gly2143Arg). This variant is present in population databases (rs568208338, gnomAD 0.009%). This variant has not been reported in the literature in individuals affected with COL6A3-related conditions. ClinVar contains an entry for this variant (Variation ID: 1989999). Invitae Evidence Modeling of protein sequence and biophysical properties (such as structural, functional, and spatial information, amino acid conservation, physicochemical variation, residue mobility, and thermodynamic stability) indicates that this missense variant is expected to disrupt COL6A3 protein function with a positive predictive value of 80%. This variant disrupts the triple helix domain of COL6A3. Glycine residues within the Gly-Xaa-Yaa repeats of the triple helix domain are required for the structure and stability of fibrillar collagens (PMID: 7695699, 8218237, 19344236). In COL6A3, missense variants at these glycine residues are significantly enriched in individuals with autosomal dominant disease (PMID: 15689448, 24038877) compared to the general population (ExAC). In summary, the available evidence is currently insufficient to determine the role of this variant in disease. Therefore, it has been classified as a Variant of Uncertain Significance.

Revvity Omics, Revvity
Classification: Uncertain significance. Last evaluated: 2019-11-05. Review status: criteria provided, single submitter. Criteria: ACMG Guidelines, 2015. Collection method: clinical testing. Allele origin: germline.

Literature cited by the submitters: PubMed 7695699 (cited by Variantyx, Inc. and Labcorp Genetics (formerly Invitae), Labcorp); PubMed 8218237 (cited by Variantyx, Inc. and Labcorp Genetics (formerly Invitae), Labcorp); PubMed 19344236 (cited by Variantyx, Inc. and Labcorp Genetics (formerly Invitae), Labcorp); PubMed 15689448 (cited by Labcorp Genetics (formerly Invitae), Labcorp); PubMed 24038877 (cited by Labcorp Genetics (formerly Invitae), Labcorp).

NM_004369.4(COL6A3):c.6427G>A (p.Gly2143Arg)

Gene: COL6A3 (collagen type VI alpha 3 chain; minus strand). Cytogenetic location: 2q37.3.
Variant type: single nucleotide variant.
Coding change: c.6427G>A on transcript NM_004369.4 (MANE Select); coding-DNA position 6427, G replaced by A.
Protein change: p.Gly2143Arg; replaces glycine 2143 with arginine.
Molecular consequence: missense variant.
Genome position (GRCh38, 1-based): chr2:237,358,565, C>T on the plus strand (G>A on the coding strand, the complement: COL6A3 is on the minus strand). VCF-style: chr2-237358565-C-T. GRCh37 (hg19) VCF-style: chr2-238267208-C-T.
Other names: c.4606G>A, p.Gly1536Arg (NM_057166.5); c.5809G>A, p.Gly1937Arg (NM_057167.4); short protein forms G2143R, G1536R, G1937R.
Identifiers: ClinVar variation 1989999 (VCV001989999.8), dbSNP rs568208338, ClinGen allele CA2188288.